The following is an entry in ClinVar:

NM_018012.4(KIF26B):c.1350+10T>C

Gene: KIF26B (kinesin family member 26B; plus strand). Cytogenetic location: 1q44.
Variant type: single nucleotide variant.
Coding change: c.1350+10T>C on transcript NM_018012.4 (MANE Select); 10 bases into the intron after coding-DNA position 1350, T replaced by C.
Molecular consequence: intron variant.
Genome position (GRCh38, 1-based): chr1:245,540,960, T>C. VCF-style: chr1-245540960-T-C. GRCh37 (hg19) VCF-style: chr1-245704262-T-C.
Identifiers: ClinVar variation 3053089 (VCV003053089.2), dbSNP rs375730929, ClinGen allele CA2740092672.

ClinVar aggregate classification (germline): Likely benign (0 of 4 stars; one submission).

Conditions:
KIF26B-related disorder. Also called: KIF26B-related condition.

Submission:

PreventionGenetics, part of Exact Sciences
Classification: Likely benign for KIF26B-related condition. Last evaluated: 2019-08-14. Review status: no assertion criteria provided. Collection method: clinical testing. Allele origin: germline.
Comment: This variant is classified as likely benign based on ACMG/AMP sequence variant interpretation guidelines (Richards et al. 2015 PMID: 25741868, with internal and published modifications).